The following is an entry in ClinVar:

ClinVar aggregate classification (germline): Benign/Likely benign. Review status: criteria provided, multiple submitters, no conflicts (2 of 4 stars). 9 submissions from 9 submitters: Benign (1); Likely benign (7). 1 of the submissions does not count toward it. Last evaluated 2025-08-05.

Conditions:
SMAD4-related disorder. Also called: SMAD4-Related disorders; SMAD4-related condition.
Juvenile polyposis syndrome (JPS). Identifiers: Orphanet 2929, MedGen C0345893, MONDO:0017380, OMIM 174900.
Familial thoracic aortic aneurysm and aortic dissection (TAAD). Also called: Thoracic aortic aneurysms and dissections. Identifiers: Orphanet 91387, MedGen C4707243, MONDO:0019625.
Hereditary cancer-predisposing syndrome. Also called: Neoplastic Syndromes, Hereditary; Tumor predisposition; Hereditary neoplastic syndrome; Hereditary Cancer Syndrome. Identifiers: Orphanet 140162, MedGen C0027672, MeSH D009386, MONDO:0015356.
Juvenile polyposis/hereditary hemorrhagic telangiectasia syndrome (JPHT). Also called: JP/HHT SYNDROME; JUVENILE POLYPOSIS WITH HEREDITARY HEMORRHAGIC TELANGIECTASIA; POLYPOSIS, GENERALIZED JUVENILE, WITH PULMONARY ARTERIOVENOUS MALFORMATION; TELANGIECTASIA, HEREDITARY HEMORRHAGIC, WITH JUVENILE POLYPOSIS COLI; Juvenile Polyposis Syndrome / Hereditary Hemorrhagic Telangiectasia (JPS/HHT). Identifiers: Orphanet 2929, MedGen C1832942, MONDO:0008278, OMIM 175050.

Allele frequency attached by ClinVar (database versions not stated): ExAC 0.00001; gnomAD exomes 0.00001 and 0.00003; gnomAD 0.00002 and 0.00003; TOPMed 0.00003.
gnomAD v4.1: 48 of 1,614,112 alleles (0.003%); highest among the groups gnomAD compares: Non-Finnish European, 0.0037%; no homozygotes.

Submissions (9):

Quest Diagnostics Nichols Institute San Juan Capistrano
Classification: Likely benign. Last evaluated: 2025-08-05. Review status: criteria provided, single submitter. Criteria: Quest Diagnostics criteria. Collection method: clinical testing. Allele origin: unknown.

Labcorp Genetics (formerly Invitae), Labcorp
Classification: Likely benign for Juvenile polyposis syndrome. Last evaluated: 2025-06-20. Review status: criteria provided, single submitter. Criteria: Invitae Variant Classification Sherloc (09022015). Collection method: clinical testing. Allele origin: germline.

Myriad Genetics, Inc.
Classification: Benign for Juvenile polyposis/hereditary hemorrhagic telangiectasia syndrome. Last evaluated: 2025-03-24. Review status: criteria provided, single submitter. Criteria: Myriad Autosomal Dominant, Autosomal Recessive and X-Linked Classification Criteria (2023). Collection method: clinical testing. Allele origin: unknown.
Comment: This variant is considered benign. This variant is a silent/synonymous amino acid change and it is not expected to impact splicing.

All of Us Research Program, National Institutes of Health
Classification: Likely benign for Juvenile polyposis/hereditary hemorrhagic telangiectasia syndrome. Last evaluated: 2024-09-23. Review status: criteria provided, single submitter. Criteria: ACMG Guidelines, 2015. Collection method: clinical testing. Allele origin: germline. Inheritance: Autosomal dominant inheritance. Observed: 7 variant alleles, 7 heterozygotes.
Comment: This study involves interpretation of variants in research participants for the purpose of population health screening. Participant phenotype was not available at the time of variant classification. Additional details can be found in publication PMID: 35346344, PMCID: PMC8962531

Women's Health and Genetics/Laboratory Corporation of America, LabCorp
Classification: Likely benign. Last evaluated: 2024-03-30. Review status: criteria provided, single submitter. Criteria: LabCorp Variant Classification Summary - May 2015. Collection method: clinical testing. Allele origin: germline.

GeneDx
Classification: Likely benign. Last evaluated: 2017-07-12. Review status: criteria provided, single submitter. Criteria: GeneDx Variant Classification (06012015). Collection method: clinical testing. Allele origin: germline. Affected: yes.
Comment: This variant is considered likely benign or benign based on one or more of the following criteria: it is a conservative change, it occurs at a poorly conserved position in the protein, it is predicted to be benign by multiple in silico algorithms, and/or has population frequency not consistent with disease.

Color Diagnostics, LLC DBA Color Health
Classification: Likely benign for Hereditary cancer-predisposing syndrome. Last evaluated: 2016-08-29. Review status: criteria provided, single submitter. Criteria: ACMG Guidelines, 2015. Collection method: clinical testing. Allele origin: germline.

Ambry Genetics
Classification: Likely benign for Hereditary cancer-predisposing syndrome; Familial thoracic aortic aneurysm and aortic dissection. Last evaluated: 2014-06-05. Review status: criteria provided, single submitter. Criteria: Ambry Variant Classification Scheme 2023. Collection method: clinical testing. Allele origin: germline.

PreventionGenetics, part of Exact Sciences
Classification: Likely benign for SMAD4-related condition. Last evaluated: 2020-06-15. Review status: no assertion criteria provided. Collection method: clinical testing. Allele origin: germline. Not counted in ClinVar's aggregate classification.
Comment: This variant is classified as likely benign based on ACMG/AMP sequence variant interpretation guidelines (Richards et al. 2015 PMID: 25741868, with internal and published modifications).

NM_005359.6(SMAD4):c.1461T>A (p.Ala487=)

Gene: SMAD4 (SMAD family member 4; plus strand). Cytogenetic location: 18q21.2.
Variant type: single nucleotide variant.
Coding change: c.1461T>A on transcript NM_005359.6 (MANE Select); coding-DNA position 1461, T replaced by A.
Protein change: p.Ala487=; no amino-acid change (alanine 487 retained).
Molecular consequence: synonymous variant.
Genome position (GRCh38, 1-based): chr18:51,078,269, T>A. VCF-style: chr18-51078269-T-A. GRCh37 (hg19) VCF-style: chr18-48604639-T-A.
Identifiers: ClinVar variation 184561 (VCV000184561.27), dbSNP rs769607309, ClinGen allele CA189307.